The following is an entry in ClinVar:

NM_016148.5(SHANK1):c.2215G>A (p.Val739Met)

Gene: SHANK1 (SH3 and multiple ankyrin repeat domains 1; minus strand). Cytogenetic location: 19q13.33.
Variant type: single nucleotide variant.
Coding change: c.2215G>A on transcript NM_016148.5 (MANE Select); coding-DNA position 2215, G replaced by A.
Protein change: p.Val739Met; replaces valine 739 with methionine.
Molecular consequence: missense variant.
Genome position (GRCh38, 1-based): chr19:50,688,016, C>T on the plus strand (G>A on the coding strand, the complement: SHANK1 is on the minus strand). VCF-style: chr19-50688016-C-T. GRCh37 (hg19) VCF-style: chr19-51191273-C-T.
Other names: short protein forms V739M.
Identifiers: ClinVar variation 2503370 (VCV002503370.1), dbSNP rs2513923552, ClinGen allele CA407025999.

ClinVar aggregate classification (germline): Uncertain significance (1 of 4 stars; one submission).

Submission:

GeneDx
Classification: Uncertain significance. Last evaluated: 2022-11-28. Review status: criteria provided, single submitter. Criteria: GeneDx Variant Classification Process June 2021. Collection method: clinical testing. Allele origin: germline. Affected: yes.
Comment: Not observed at significant frequency in large population cohorts (gnomAD); In silico analysis supports that this missense variant has a deleterious effect on protein structure/function; Has not been previously published as pathogenic or benign to our knowledge